The following is an entry in ClinVar:

ClinVar aggregate classification (germline): Uncertain significance (1 of 4 stars; one submission).

Allele frequency attached by ClinVar (database versions not stated): gnomAD exomes below 0.00001.
gnomAD v4.1: 1 of 1,613,728 alleles (0.000062%); highest among the groups gnomAD compares: South Asian, 0.0011%; no homozygotes.

Submission:

Labcorp Genetics (formerly Invitae), Labcorp
Classification: Uncertain significance. Last evaluated: 2021-12-29. Review status: criteria provided, single submitter. Criteria: Invitae Variant Classification Sherloc (09022015). Collection method: clinical testing. Allele origin: germline.
Comment: In summary, the available evidence is currently insufficient to determine the role of this variant in disease. Therefore, it has been classified as a Variant of Uncertain Significance. Algorithms developed to predict the effect of missense changes on protein structure and function (SIFT, PolyPhen-2, Align-GVGD) all suggest that this variant is likely to be tolerated. This variant has not been reported in the literature in individuals affected with HMCN1-related conditions. This variant is not present in population databases (gnomAD no frequency). This sequence change replaces methionine, which is neutral and non-polar, with valine, which is neutral and non-polar, at codon 2777 of the HMCN1 protein (p.Met2777Val).

NM_031935.3(HMCN1):c.8329A>G (p.Met2777Val)

Gene: HMCN1 (hemicentin 1; plus strand). Cytogenetic location: 1q31.1.
Variant type: single nucleotide variant.
Coding change: c.8329A>G on transcript NM_031935.3 (MANE Select); coding-DNA position 8329, A replaced by G.
Protein change: p.Met2777Val; replaces methionine 2777 with valine.
Molecular consequence: missense variant.
Genome position (GRCh38, 1-based): chr1:186,076,466, A>G. VCF-style: chr1-186076466-A-G. GRCh37 (hg19) VCF-style: chr1-186045598-A-G.
Other names: short protein forms M2777V.
Identifiers: ClinVar variation 1967264 (VCV001967264.5), dbSNP rs2527832282, ClinGen allele CA343912092.